The following is an entry in ClinVar:

ClinVar aggregate classification (germline): Uncertain significance. Review status: criteria provided, multiple submitters, no conflicts (2 of 4 stars). 6 submissions from 5 submitters: Uncertain significance (6). Last evaluated 2025-01-13.

Conditions:
Inborn genetic diseases. Identifiers: MedGen C0950123, MeSH D030342.
Amyotrophic lateral sclerosis type 4 (ALS4). Also called: AMYOTROPHIC LATERAL SCLEROSIS 4, JUVENILE; NEURONOPATHY, DISTAL HEREDITARY MOTOR, WITH PYRAMIDAL FEATURES. Identifiers: Orphanet 357043, MedGen C1865409, MONDO:0011223, OMIM 602433.
Spinocerebellar ataxia, autosomal recessive, with axonal neuropathy 2 (SCAN2). Also called: Ataxia with Oculomotor Apraxia; Ataxia with Oculomotor Apraxia Type 2; ATAXIA-OCULOMOTOR APRAXIA 2; Ataxia-ocular apraxia-2. Identifiers: Orphanet 64753, MedGen C1853761, MONDO:0018996, OMIM 606002.

Allele frequency attached by ClinVar (database versions not stated): gnomAD exomes below 0.00001; gnomAD 0.00001; TOPMed 0.00002.
gnomAD v4.1: 8 of 1,614,126 alleles (0.0005%); highest among the groups gnomAD compares: East Asian, 0.0022%; no homozygotes.

Submissions (6):

Athena Diagnostics
Classification: Uncertain significance. Last evaluated: 2025-01-13. Review status: criteria provided, single submitter. Criteria: Athena Diagnostics Criteria. Collection method: clinical testing. Allele origin: unknown.
Comment: Available data are insufficient to determine the clinical significance of the variant at this time. The frequency of this variant in the general population is uninformative in assessment of its pathogenicity. Polyphen and MutationTaster predict this amino acid change may be benign.

Genome-Nilou Lab
Classification: Uncertain significance for Spinocerebellar ataxia, autosomal recessive, with axonal neuropathy 2. Last evaluated: 2023-02-08. Review status: criteria provided, single submitter. Criteria: ACMG Guidelines, 2015. Collection method: clinical testing. Allele origin: germline.

Genome-Nilou Lab
Classification: Uncertain significance for Amyotrophic lateral sclerosis type 4. Last evaluated: 2023-02-08. Review status: criteria provided, single submitter. Criteria: ACMG Guidelines, 2015. Collection method: clinical testing. Allele origin: germline.

CeGaT Center for Human Genetics Tuebingen
Classification: Uncertain significance. Last evaluated: 2022-12-01. Review status: criteria provided, single submitter. Criteria: CeGaT Center For Human Genetics Tuebingen Variant Classification Criteria Version 2. Collection method: clinical testing. Allele origin: germline. Affected: yes. Observed: 1 variant allele.
Comment: SETX: PM2, BP4

Labcorp Genetics (formerly Invitae), Labcorp
Classification: Uncertain significance for Amyotrophic lateral sclerosis type 4; Spinocerebellar ataxia, autosomal recessive, with axonal neuropathy 2. Last evaluated: 2021-11-01. Review status: criteria provided, single submitter. Criteria: Invitae Variant Classification Sherloc (09022015). Collection method: clinical testing. Allele origin: germline.
Comment: Advanced modeling of protein sequence and biophysical properties (such as structural, functional, and spatial information, amino acid conservation, physicochemical variation, residue mobility, and thermodynamic stability) performed at Invitae indicates that this missense variant is not expected to disrupt SETX protein function. This sequence change replaces threonine, which is neutral and polar, with alanine, which is neutral and non-polar, at codon 1433 of the SETX protein (p.Thr1433Ala). This variant is present in population databases (no rsID available, gnomAD 0.007%). This variant has not been reported in the literature in individuals affected with SETX-related conditions. Algorithms developed to predict the effect of sequence changes on RNA splicing suggest that this variant may create or strengthen a splice site. In summary, the available evidence is currently insufficient to determine the role of this variant in disease. Therefore, it has been classified as a Variant of Uncertain Significance.

Ambry Genetics
Classification: Uncertain significance for Inborn genetic diseases. Last evaluated: 2021-07-11. Review status: criteria provided, single submitter. Criteria: Ambry Variant Classification Scheme 2023. Collection method: clinical testing. Allele origin: germline.
Comment: The p.T1433A variant (also known as c.4297A>G), located in coding exon 8 of the SETX gene, results from an A to G substitution at nucleotide position 4297. The threonine at codon 1433 is replaced by alanine, an amino acid with similar properties. This amino acid position is conserved. In addition, this alteration is predicted to be tolerated by in silico analysis. Since supporting evidence is limited at this time, the clinical significance of this alteration remains unclear.

NM_015046.7(SETX):c.4297A>G (p.Thr1433Ala)

Gene: SETX (senataxin; minus strand). Cytogenetic location: 9q34.13.
Variant type: single nucleotide variant.
Coding change: c.4297A>G on transcript NM_015046.7 (MANE Select); coding-DNA position 4297, A replaced by G.
Protein change: p.Thr1433Ala; replaces threonine 1433 with alanine.
Molecular consequence: missense variant.
Genome position (GRCh38, 1-based): chr9:132,327,301, T>C on the plus strand (A>G on the coding strand, the complement: SETX is on the minus strand). VCF-style: chr9-132327301-T-C. GRCh37 (hg19) VCF-style: chr9-135202688-T-C.
Other names: c.4297A>G, p.Thr1433Ala (NM_001351527.2, NM_001351528.2); short protein forms T1433A.
Identifiers: ClinVar variation 1422645 (VCV001422645.32), dbSNP rs1038733632, ClinGen allele CA200807138.